The following is an entry in ClinVar:

ClinVar aggregate classification (germline): Uncertain significance. Review status: criteria provided, multiple submitters, no conflicts (2 of 4 stars). 3 submissions from 3 submitters: Uncertain significance (2). 1 of the submissions does not count toward it. Last evaluated 2024-09-27.

Conditions:
Glucose-6-phosphate transport defect (GSD1B). Also called: Glycogen Storage Disease Type Ib; GSD Ib. Identifiers: Orphanet 364, Orphanet 79259, MedGen C0268146, MONDO:0009288, OMIM 232220.
Congenital disorder of glycosylation, type IIw. Identifiers: MedGen C5561986, MONDO:0030437, OMIM 619525.
Phosphate transport defect (GSD1C). Also called: GLYCOGEN STORAGE DISEASE Ic; GSD Ic. Identifiers: Orphanet 364, Orphanet 79259, MedGen C0342749, OMIM 232240.

Allele frequency attached by ClinVar (database versions not stated): gnomAD exomes 0.00001 and 0.00003; ExAC 0.00002; TOPMed 0.00004; gnomAD 0.00005; 1000 Genomes Project 30x 0.00016; 1000 Genomes Project 0.00020.

Submissions (3):

Labcorp Genetics (formerly Invitae), Labcorp
Classification: Uncertain significance for Glucose-6-phosphate transport defect. Last evaluated: 2024-09-27. Review status: criteria provided, single submitter. Criteria: Invitae Variant Classification Sherloc (09022015). Collection method: clinical testing. Allele origin: germline.
Comment: This sequence change replaces leucine, which is neutral and non-polar, with valine, which is neutral and non-polar, at codon 211 of the SLC37A4 protein (p.Leu211Val). This variant is present in population databases (rs537115620, gnomAD 0.004%). This variant has not been reported in the literature in individuals affected with SLC37A4-related conditions. ClinVar contains an entry for this variant (Variation ID: 654336). Invitae Evidence Modeling of protein sequence and biophysical properties (such as structural, functional, and spatial information, amino acid conservation, physicochemical variation, residue mobility, and thermodynamic stability) indicates that this missense variant is not expected to disrupt SLC37A4 protein function with a negative predictive value of 80%. In summary, the available evidence is currently insufficient to determine the role of this variant in disease. Therefore, it has been classified as a Variant of Uncertain Significance.

Fulgent Genetics
Classification: Uncertain significance for Glucose-6-phosphate transport defect; Phosphate transport defect; Congenital disorder of glycosylation, type IIw. Last evaluated: 2022-03-17. Review status: criteria provided, single submitter. Criteria: ACMG Guidelines, 2015. Collection method: clinical testing. Allele origin: unknown.

Natera, Inc.
Classification: Uncertain significance for Glycogen storage disease type Ib. Last evaluated: 2020-04-16. Review status: no assertion criteria provided. Collection method: clinical testing. Allele origin: germline. Not counted in ClinVar's aggregate classification.

NM_001164277.2(SLC37A4):c.631T>G (p.Leu211Val)

Gene: SLC37A4 (solute carrier family 37 member 4; minus strand). Cytogenetic location: 11q23.3.
Variant type: single nucleotide variant.
Coding change: c.631T>G on transcript NM_001164277.2 (MANE Select); coding-DNA position 631, T replaced by G.
Protein change: p.Leu211Val; replaces leucine 211 with valine.
Molecular consequence: missense variant.
Genome position (GRCh38, 1-based): chr11:119,027,090, A>C on the plus strand (T>G on the coding strand, the complement: SLC37A4 is on the minus strand). VCF-style: chr11-119027090-A-C. GRCh37 (hg19) VCF-style: chr11-118897800-A-C.
Other names: c.631T>G, p.Leu211Val (NM_001164278.2, NM_001164280.2, NM_001467.6); c.412T>G, p.Leu138Val (NM_001164279.2); short protein forms L138V, L211V.
Identifiers: ClinVar variation 654336 (VCV000654336.9), dbSNP rs537115620, ClinGen allele CA6311766.